The following is an entry in ClinVar:

NM_017780.4(CHD7):c.3378G>C (p.Leu1126Phe)

Gene: CHD7 (chromodomain helicase DNA binding protein 7; plus strand). Cytogenetic location: 8q12.2.
Variant type: single nucleotide variant.
Coding change: c.3378G>C on transcript NM_017780.4 (MANE Select); coding-DNA position 3378, G replaced by C.
Protein change: p.Leu1126Phe; replaces leucine 1126 with phenylalanine.
Molecular consequence: missense variant. On other transcripts: intron variant (1).
Genome position (GRCh38, 1-based): chr8:60,824,016, G>C. VCF-style: chr8-60824016-G-C. GRCh37 (hg19) VCF-style: chr8-61736575-G-C.
Other names: c.1717-38213G>C (NM_001316690.1); short protein forms L1126F.
Identifiers: ClinVar variation 2010521 (VCV002010521.4), dbSNP rs2487819601, ClinGen allele CA371312827.

ClinVar aggregate classification (germline): Pathogenic (1 of 4 stars; one submission).

Conditions:
CHARGE syndrome (CHARGE). Also called: Hittner Hirsch Kreh syndrome; CHARGE ASSOCIATION--COLOBOMA, HEART ANOMALY, CHOANAL ATRESIA, RETARDATION, GENITAL AND EAR ANOMALIES; Coloboma, heart anomaly, choanal atresia, retardation, genital and ear anomalies; CHARGE association; Hall-Hittner syndrome. Identifiers: Orphanet 138, MedGen C0265354, MONDO:0008965.

Submission:

Labcorp Genetics (formerly Invitae), Labcorp
Classification: Pathogenic for CHARGE syndrome. Last evaluated: 2023-04-03. Review status: criteria provided, single submitter. Criteria: Invitae Variant Classification Sherloc (09022015). Collection method: clinical testing. Allele origin: germline.
Comment: This sequence change replaces leucine, which is neutral and non-polar, with phenylalanine, which is neutral and non-polar, at codon 1126 of the CHD7 protein (p.Leu1126Phe). This variant also falls at the last nucleotide of exon 13, which is part of the consensus splice site for this exon. This variant is not present in population databases (gnomAD no frequency). This missense change has been observed in individual(s) with CHD7-related conditions (Invitae). In at least one individual the variant was observed to be de novo. ClinVar contains an entry for this variant (Variation ID: 2010521). An algorithm developed to predict the effect of missense changes on protein structure and function (PolyPhen-2) suggests that this variant is likely to be disruptive. Variants that disrupt the consensus splice site are a relatively common cause of aberrant splicing (PMID: 17576681, 9536098). Algorithms developed to predict the effect of sequence changes on RNA splicing suggest that this variant may disrupt the consensus splice site. For these reasons, this variant has been classified as Pathogenic.

Literature cited by the submitters: PubMed 17576681; PubMed 9536098.